The following is an entry in ClinVar:

NM_001651.4(AQP5):c.22G>A (p.Val8Met)

Genes: AQP5 (aquaporin 5; plus strand), AQP5-AS1 (AQP5 and AQP2 antisense RNA 2; minus strand). Cytogenetic location: 12q13.12.
Variant type: single nucleotide variant.
Coding change: c.22G>A on transcript NM_001651.4 (MANE Select); coding-DNA position 22, G replaced by A.
Protein change: p.Val8Met; replaces valine 8 with methionine.
Molecular consequence: missense variant.
Genome position (GRCh38, 1-based): chr12:49,962,039, G>A. VCF-style: chr12-49962039-G-A. GRCh37 (hg19) VCF-style: chr12-50355822-G-A.
Other names: short protein forms V8M.
Identifiers: ClinVar variation 3719349 (VCV003719349.2).

ClinVar aggregate classification (germline): Uncertain significance (1 of 4 stars; one submission).

gnomAD v4.1: 73 of 1,592,232 alleles (0.0046%); highest among the groups gnomAD compares: Non-Finnish European, 0.0058%; no homozygotes.

Submission:

Labcorp Genetics (formerly Invitae), Labcorp
Classification: Uncertain significance. Last evaluated: 2024-06-13. Review status: criteria provided, single submitter. Criteria: Invitae Variant Classification Sherloc (09022015). Collection method: clinical testing. Allele origin: germline.
Comment: This sequence change replaces valine, which is neutral and non-polar, with methionine, which is neutral and non-polar, at codon 8 of the AQP5 protein (p.Val8Met). This variant is present in population databases (rs758120085, gnomAD 0.005%). This variant has not been reported in the literature in individuals affected with AQP5-related conditions. An algorithm developed to predict the effect of missense changes on protein structure and function (PolyPhen-2) suggests that this variant is likely to be tolerated. In summary, the available evidence is currently insufficient to determine the role of this variant in disease. Therefore, it has been classified as a Variant of Uncertain Significance.